The following is an entry in ClinVar:

ClinVar aggregate classification (germline): Uncertain significance. Review status: criteria provided, multiple submitters, no conflicts (2 of 4 stars). 2 submissions from 2 submitters: Uncertain significance (2). Last evaluated 2024-04-19.

Conditions:
Bartter disease type 1. Also called: HYPOKALEMIC ALKALOSIS WITH HYPERCALCIURIA 1, ANTENATAL; Bartter syndrome, type 1, antenatal; HYPERPROSTAGLANDIN E SYNDROME 1; Bartter Syndrome type 1. Identifiers: Orphanet 112, Orphanet 620217, MedGen C1866495, MONDO:0100344, OMIM 601678, MONDO:0011127.

Allele frequency attached by ClinVar (database versions not stated): gnomAD exomes 0.00004 and 0.00011; gnomAD 0.00006 and 0.00007; ExAC 0.00010; TOPMed 0.00014; ESP Exome Variant Server 0.00015; 1000 Genomes Project 30x 0.00016; 1000 Genomes Project 0.00020.
gnomAD v4.1: 162 of 1,608,376 alleles (0.01%); highest among the groups gnomAD compares: African/African-American, 0.013%; no homozygotes.

Submissions (2):

Fulgent Genetics
Classification: Uncertain significance for Bartter disease type 1. Last evaluated: 2024-04-19. Review status: criteria provided, single submitter. Criteria: ACMG Guidelines, 2015. Collection method: clinical testing. Allele origin: germline.

Labcorp Genetics (formerly Invitae), Labcorp
Classification: Uncertain significance. Last evaluated: 2022-04-12. Review status: criteria provided, single submitter. Criteria: Invitae Variant Classification Sherloc (09022015). Collection method: clinical testing. Allele origin: germline.
Comment: This sequence change replaces valine, which is neutral and non-polar, with methionine, which is neutral and non-polar, at codon 661 of the SLC12A1 protein (p.Val661Met). This variant is present in population databases (rs191148564, gnomAD 0.02%). This variant has not been reported in the literature in individuals affected with SLC12A1-related conditions. ClinVar contains an entry for this variant (Variation ID: 1008553). Algorithms developed to predict the effect of missense changes on protein structure and function are either unavailable or do not agree on the potential impact of this missense change (SIFT: "Tolerated"; PolyPhen-2: "Possibly Damaging"; Align-GVGD: "Class C0"). In summary, the available evidence is currently insufficient to determine the role of this variant in disease. Therefore, it has been classified as a Variant of Uncertain Significance.

NM_000338.3(SLC12A1):c.1981G>A (p.Val661Met)

Gene: SLC12A1 (solute carrier family 12 member 1; plus strand). Cytogenetic location: 15q21.1.
Variant type: single nucleotide variant.
Coding change: c.1981G>A on transcript NM_000338.3 (MANE Select); coding-DNA position 1981, G replaced by A.
Protein change: p.Val661Met; replaces valine 661 with methionine.
Molecular consequence: missense variant.
Genome position (GRCh38, 1-based): chr15:48,255,849, G>A. VCF-style: chr15-48255849-G-A. GRCh37 (hg19) VCF-style: chr15-48548046-G-A.
Other names: c.1981G>A, p.Val661Met (NM_001184832.2, NM_001384136.1); short protein forms V661M.
Identifiers: ClinVar variation 1008553 (VCV001008553.8), dbSNP rs191148564, ClinGen allele CA7547256.
Genomic context (GRCh38, chr15:48,255,849, plus strand): 5'-CAATTTCCTCCTTTATCCACAGATGTGAACTGGGGCTCCTCCACACAGGCTCTTTCCTAC[G>A]TGAGTGCTTTAGACAATGCTCTGGAATTAACCACAGTGGAAGACCACGTAAAAAACTTCA-3'
Protein context (NP_000329.2, residues 651-671): WGSSTQALSY[Val661Met]SALDNALELT